The following is an entry in ClinVar:

NM_000488.4(SERPINC1):c.89T>A (p.Val30Glu)

Gene: SERPINC1 (serpin family C member 1; minus strand). Cytogenetic location: 1q25.1.
Variant type: single nucleotide variant.
Coding change: c.89T>A on transcript NM_000488.4 (MANE Select); coding-DNA position 89, T replaced by A.
Protein change: p.Val30Glu; replaces valine 30 with glutamic acid.
Molecular consequence: missense variant. On other transcripts: 5 prime UTR variant (1).
Genome position (GRCh38, 1-based): chr1:173,914,872, A>T on the plus strand (T>A on the coding strand, the complement: SERPINC1 is on the minus strand). VCF-style: chr1-173914872-A-T. GRCh37 (hg19) VCF-style: chr1-173884010-A-T.
Other names: NM_000488.4(SERPINC1):c.89T>A; c.-56T>A (NM_001365052.2); c.89T>A, p.Val30Glu (NM_001386302.1, NM_001386304.1, NM_001386305.1 and 1 more transcripts); c.170T>A, p.Val57Glu (NM_001386303.1); short protein forms V57E.
Identifiers: ClinVar variation 18012 (VCV000018012.69), dbSNP rs2227624, ClinGen allele CA325653.

ClinVar aggregate classification (germline): Pathogenic. Review status: reviewed by expert panel (3 of 4 stars). 15 submissions from 13 submitters: Pathogenic (1). 14 of the submissions do not count toward it. Last evaluated 2025-02-07.

Conditions:
SERPINC1-related disorder. Also called: SERPINC1-related condition.
Hereditary antithrombin deficiency (AT3D). Also called: Reduced antithrombin III activity; Antithrombin III deficiency; Thrombophilia due to antithrombin III deficiency; Antithrombin deficiency. Identifiers: Orphanet 82, MedGen C0272375, MONDO:0013144, OMIM 613118, HP:0001976.
Thromboembolism. Identifiers: MedGen C0040038, HP:0001907.
Deep venous thrombosis. Also called: Deep vein thrombosis. Identifiers: MedGen C0149871, MeSH D020246, HP:0002625.

Allele frequency attached by ClinVar (database versions not stated): 1000 Genomes Project 0.00120; gnomAD exomes 0.00179 and 0.00274; 1000 Genomes Project 30x 0.00109; ExAC 0.00169; TOPMed 0.00155; gnomAD 0.00171 and 0.00167; ESP Exome Variant Server 0.00254.
gnomAD v4.1: 4,237 of 1,614,198 alleles (0.26%); highest among the groups gnomAD compares: Non-Finnish European, 0.32%; 14 homozygotes.

Submissions (15):

Clingen Thrombosis Variant Curation Expert Panel, ClinGen
Classification: Pathogenic for Hereditary antithrombin deficiency. Last evaluated: 2025-02-07. Review status: reviewed by expert panel. Criteria: ClinGen ACMG Specifications SERPINC1 V1.0.0. Collection method: curation. Allele origin: germline. Inheritance: Autosomal dominant inheritance.
Comment: The c.89T>A (NM_000488.4) variant in SERPINC1 is a missense variant predicted to cause substitution of valine by glutamic acid at amino acid 30 (p.Val30Glu; legacy p.V-3E; also known as the founder variant antithrombin Dublin), so the BS1 code is excluded. This sequence variant has been previously reported in patients with transient antithrombin deficiency, who present with a history of reduced antithrombin activity with at least one reported normal antithrombin activity level (PMID: 27975105; PMID: 27098529; PMID: 34800304) meeting PS4_Very Strong. Large cohort analysis demonstrate carriers of this variant have a 2.3-fold increased risk of thrombosis compared to the general population (PMID: 25772935; PMID: 27098529). Additionally, this variant has been report in at least 4 meioses across 8 families meeting PP1_Moderate. Functional studies performed in mammalian cells demonstrated this variant creates a new signal peptidase cleavage site two amino acids downstream of the normal site, leading to a truncated mature protein missing two amino acids at the N-terminus (PMID: 1977621; PMID: 27098529). The truncated protein has an increased propensity to form intracellular polymers, which hinders antithrombin secretion (PMID: 27098529; PMID: 28229161). Transient environmental factors or other predisposing stress events may exacerbate this polymerization and intracellular retention, contributing to the transient deficiency observed in affected individuals (PMID: 27098529). In summary, this variant meets the criteria to be classified as pathogenic for autosomal dominant antithrombin deficiency based on the ACMG/AMP criteria applied, as specified by the ClinGen Thrombosis VCEP: PS4_Very Strong, PP1_moderate, PS3.

PreventionGenetics, part of Exact Sciences
Classification: Uncertain significance for SERPINC1-related condition. Last evaluated: 2026-04-07. Review status: criteria provided, single submitter. Criteria: ACMG Guidelines, 2015. Collection method: clinical testing. Allele origin: germline. Not counted in ClinVar's aggregate classification.
Comment: The SERPINC1 c.89T>A variant is predicted to result in the amino acid substitution p.Val30Glu. This variant is alternatively referred to as Val-3Glu or antithrombin Dublin using legacy nomenclature. This variant has been reported in multiple individuals with transient antithrombin deficiency from various ethnicities (see for example, Daly et al. 1990. PubMed ID: 1977621; Navarro-Fernández et al. 2016. PubMed ID: 27098529; Wójcik et al. 2019. PubMed ID: 31157679). Multiple functional studies suggest the variant causes aberrant peptide cleavage, possibly decreasing antithrombin only during certain stress conditions like fever or pregnancy, which may be consistent with the transient deficiency observed in patients (see for example, Durr et al. 1992. PubMed ID: 1483705; Alhenc-Gelas et al. 2017. PubMed ID: 28300866; Van Cott et al. 2020. PubMed ID: 31894660). This variant is interpreted as pathogenic by the ClinGen Thrombosis Variant Curation Expert Panel in ClinVar. However, carriers of this variant are estimated to have a 2.3-2.9 fold increased risk of thrombosis which is lower than that typically associated with antithrombin deficiency (Germain et al. 2015. PubMed ID: 25772935; Navarro-Fernández et al. 2016. PubMed ID: 27098529). This variant is reported in 0.29% of alleles in individuals of European (non-Finnish) descent in gnomAD. At this time, the clinical significance of this variant is uncertain due to the absence of conclusive functional and genetic evidence.

Labcorp Genetics (formerly Invitae), Labcorp
Classification: Likely benign for Hereditary antithrombin deficiency. Last evaluated: 2026-01-29. Review status: criteria provided, single submitter. Criteria: Invitae Variant Classification Sherloc (09022015). Collection method: clinical testing. Allele origin: germline. Not counted in ClinVar's aggregate classification.

Variantyx, Inc.
Classification: Pathogenic for Hereditary antithrombin deficiency. Last evaluated: 2025-12-23. Review status: criteria provided, single submitter. Criteria: Variantyx Assertion Criteria 2022. Collection method: clinical testing. Allele origin: germline. Inheritance: Semidominant inheritance. Not counted in ClinVar's aggregate classification.
Comment: This is a nonsynonymous variant in the SERPINC1 gene (OMIM: 107300). Pathogenic variants in this gene have been associated with autosomal semidominant thrombophilia 7 due to antithrombin III deficiency. The frequency of this variant in affected individuals is significantly increased compared to controls (PMID: 27098529, 35112923) (PS4). Computational algorithms produce conflicting evidence regarding the predicted functional impact of this variant (REVEL score: 0.456), but functional studies have shown that this variant alters SERPINC1 protein function (PMID: 1977621, 27098529, 28229161) (PS3). Other reputable laboratories have reported this variant as pathogenic or likely pathogenic, and this classification has been validated by an expert panel in ClinVar (PP5). This variant has a 0.3243% maximum allele frequency in non-founder control populations. Based on the current evidence, this variant is classified as pathogenic for autosomal dominant or autosomal recessive thrombophilia 7 due to antithrombin III deficiency.

Mayo Clinic Laboratories, Mayo Clinic
Classification: Pathogenic. Last evaluated: 2025-04-10. Review status: criteria provided, single submitter. Criteria: ACMG Guidelines, 2015. Collection method: clinical testing. Allele origin: germline. Observed: 5 variant alleles. Not counted in ClinVar's aggregate classification.
Comment: BS1, PP1_strong, PP5, PS3, PS4_very_strong

Blueprint Genetics
Classification: Uncertain significance. Last evaluated: 2024-11-26. Review status: criteria provided, single submitter. Criteria: ACMG Guidelines, 2015. Collection method: clinical testing. Allele origin: germline. Not counted in ClinVar's aggregate classification.

CeGaT Center for Human Genetics Tuebingen
Classification: Likely pathogenic. Last evaluated: 2023-01-01. Review status: criteria provided, single submitter. Criteria: CeGaT Center For Human Genetics Tuebingen Variant Classification Criteria Version 2. Collection method: clinical testing. Allele origin: germline. Affected: yes. Observed: 4 variant alleles. Not counted in ClinVar's aggregate classification.
Comment: SERPINC1: PS4, PM1, PP1, BP4

GeneDx
Classification: Uncertain significance. Last evaluated: 2021-02-17. Review status: criteria provided, single submitter. Criteria: GeneDx Variant Classification Process June 2021. Collection method: clinical testing. Allele origin: germline. Affected: yes. Not counted in ClinVar's aggregate classification.
Comment: Reported as AT Dublin in the literature (Daly et al., 1987); Published functional studies demonstrate impaired secretion and negligible inhibitory activity (Daly et al., 1990; Navarro-Fernndez et al., 2016).; In silico analysis supports that this missense variant does not alter protein structure/function; This variant is associated with the following publications: (PMID: 1977621, 1483705, 31064749, 31894660, 29450643, 31885188, 28607330, 3472589, 23910795, 25496998, 24121110, 27098529, 31157679, 30721820)

NIHR Bioresource Rare Diseases, University of Cambridge
Classification: Uncertain significance for Thromboembolism. Last evaluated: 2019-02-01. Review status: criteria provided, single submitter. Criteria: ACMG Guidelines, 2015. Collection method: research. Allele origin: unknown. Affected: yes. Observed: 1 heterozygote. Study: ThromboGenomics. Not counted in ClinVar's aggregate classification.

NIHR Bioresource Rare Diseases, University of Cambridge
Classification: Uncertain significance for Hereditary antithrombin deficiency. Last evaluated: 2019-02-01. Review status: criteria provided, single submitter. Criteria: ACMG Guidelines, 2015. Collection method: research. Allele origin: unknown. Affected: yes. Observed: 1 heterozygote. Study: ThromboGenomics. Not counted in ClinVar's aggregate classification.

NIHR Bioresource Rare Diseases, University of Cambridge
Classification: Uncertain significance for Deep venous thrombosis. Last evaluated: 2019-02-01. Review status: criteria provided, single submitter. Criteria: ACMG Guidelines, 2015. Collection method: research. Allele origin: unknown. Affected: yes. Observed: 1 heterozygote. Study: ThromboGenomics. Not counted in ClinVar's aggregate classification.

Illumina Laboratory Services, Illumina
Classification: Benign for Hereditary antithrombin deficiency. Last evaluated: 2017-04-27. Review status: criteria provided, single submitter. Criteria: ICSL Variant Classification Criteria 13 December 2019. Collection method: clinical testing. Allele origin: germline. Not counted in ClinVar's aggregate classification.
Comment: This variant was observed as part of a predisposition screen in an ostensibly healthy population. A literature search was performed for the gene, cDNA change, and amino acid change (where applicable). No publications were found based on this search. Allele frequency data from public databases was too high to be consistent with this variant causing disease. Therefore, this variant is classified as benign.

ISTH-SSC Genomics in Thrombosis and Hemostasis, KU Leuven, Center for Molecular and Vascular Biology
Classification: Uncertain significance for Hereditary antithrombin deficiency. Review status: criteria provided, single submitter. Criteria: ACMG Guidelines, 2015. Collection method: clinical testing. Allele origin: germline. Affected: yes. Observed: 1 heterozygote. Not counted in ClinVar's aggregate classification.
Comment: Submitted to the GoldVariant database by Kathleen Freson, Center for Molecular and Vascular Biology

Zotz-Klimas Genetics Lab, MVZ Zotz Klimas
Classification: Pathogenic for Hereditary antithrombin deficiency. Last evaluated: 2023-10-30. Review status: no assertion criteria provided. Collection method: clinical testing. Allele origin: germline. Affected: yes. Not counted in ClinVar's aggregate classification.

OMIM
Classification: Pathogenic for THROMBOPHILIA DUE TO ANTITHROMBIN III DEFICIENCY. Last evaluated: 1992-12-01. Review status: no assertion criteria provided. Collection method: literature only. Allele origin: germline. Not counted in ClinVar's aggregate classification.

Literature cited by the submitters: PubMed 27098529 (cited by Variantyx, Inc. and Mayo Clinic Laboratories, Mayo Clinic); PubMed 35112923 (cited by Variantyx, Inc.); PubMed 1977621 (cited by 3 submitters); PubMed 28229161 (cited by Variantyx, Inc.); PubMed 1483705 (cited by Mayo Clinic Laboratories, Mayo Clinic and OMIM); PubMed 23910795 (cited by Mayo Clinic Laboratories, Mayo Clinic); PubMed 25772935 (cited by Mayo Clinic Laboratories, Mayo Clinic); PubMed 27975105 (cited by Mayo Clinic Laboratories, Mayo Clinic); PubMed 28607330 (cited by Mayo Clinic Laboratories, Mayo Clinic); PubMed 3472589 (cited by Mayo Clinic Laboratories, Mayo Clinic and OMIM); PubMed 34800304 (cited by Mayo Clinic Laboratories, Mayo Clinic); PubMed 8401542 (cited by Mayo Clinic Laboratories, Mayo Clinic); PubMed 31064749 (cited by NIHR Bioresource Rare Diseases, University of Cambridge).